The following is an entry in ClinVar:

NM_016239.4(MYO15A):c.7441_7442del (p.Leu2481fs)

Gene: MYO15A (myosin XVA; plus strand). Cytogenetic location: 17p11.2.
Variant type: Deletion.
Coding change: c.7441_7442del on transcript NM_016239.4 (MANE Select); coding-DNA positions 7441 to 7442, 2 bases deleted (CT; older notation c.7441_7442delCT).
Protein change: p.Leu2481fs; shifts the reading frame from leucine 2481.
Molecular consequence: frameshift variant.
Genome position (GRCh38, 1-based): chr17:18,150,881-18,150,882, CT deleted. VCF-style (leftmost placement, unchanged base first): chr17-18150880-CCT-C. GRCh37 (hg19) VCF-style: chr17-18054194-CCT-C.
Other names: short protein forms L2481fs.
Identifiers: ClinVar variation 2964542 (VCV002964542.4), dbSNP rs1213371923, ClinGen allele CA625315148.

ClinVar aggregate classification (germline): Pathogenic/Likely pathogenic. Review status: criteria provided, multiple submitters, no conflicts (2 of 4 stars). 2 submissions from 2 submitters: Pathogenic (1); Likely pathogenic (1). Last evaluated 2024-05-12.

Conditions:
Autosomal recessive nonsyndromic hearing loss 3. Also called: NEUROSENSORY NONSYNDROMIC RECESSIVE DEAFNESS 3. Identifiers: Orphanet 90636, MedGen C1838263, MONDO:0010860, OMIM 600316.

Allele frequency attached by ClinVar (database versions not stated): gnomAD exomes 0.00001; gnomAD 0.00005; TOPMed 0.00005.

Submissions (2):

Fulgent Genetics
Classification: Likely pathogenic for Autosomal recessive nonsyndromic hearing loss 3. Last evaluated: 2024-05-12. Review status: criteria provided, single submitter. Criteria: ACMG Guidelines, 2015. Collection method: clinical testing. Allele origin: germline.

Labcorp Genetics (formerly Invitae), Labcorp
Classification: Pathogenic. Last evaluated: 2023-09-20. Review status: criteria provided, single submitter. Criteria: Invitae Variant Classification Sherloc (09022015). Collection method: clinical testing. Allele origin: germline.
Comment: For these reasons, this variant has been classified as Pathogenic. This variant has not been reported in the literature in individuals affected with MYO15A-related conditions. This variant is present in population databases (no rsID available, gnomAD 0.01%). This sequence change creates a premature translational stop signal (p.Leu2481Glufs*86) in the MYO15A gene. It is expected to result in an absent or disrupted protein product. Loss-of-function variants in MYO15A are known to be pathogenic (PMID: 17546645).

Literature cited by the submitters: PubMed 17546645 (cited by Labcorp Genetics (formerly Invitae), Labcorp).